The following is an entry in ClinVar:

NM_000143.4(FH):c.1430A>C (p.Lys477Thr)

Gene: FH (fumarate hydratase; minus strand). Cytogenetic location: 1q43.
Variant type: single nucleotide variant.
Coding change: c.1430A>C on transcript NM_000143.4 (MANE Select); coding-DNA position 1430, A replaced by C.
Protein change: p.Lys477Thr; replaces lysine 477 with threonine.
Molecular consequence: missense variant.
Genome position (GRCh38, 1-based): chr1:241,497,931, T>G on the plus strand (A>C on the coding strand, the complement: FH is on the minus strand). VCF-style: chr1-241497931-T-G. GRCh37 (hg19) VCF-style: chr1-241661231-T-G.
Other names: short protein forms K477T.
Identifiers: ClinVar variation 850764 (VCV000850764.10), dbSNP rs761934894, ClinGen allele CA345450757.

ClinVar aggregate classification (germline): Uncertain significance (1 of 4 stars; one submission).

Submission:

Labcorp Genetics (formerly Invitae), Labcorp
Classification: Uncertain significance. Last evaluated: 2019-02-06. Review status: criteria provided, single submitter. Criteria: Invitae Variant Classification Sherloc (09022015). Collection method: clinical testing. Allele origin: germline.
Comment: This sequence change replaces lysine with threonine at codon 477 of the FH protein (p.Lys477Thr). The lysine residue is moderately conserved and there is a moderate physicochemical difference between lysine and threonine. In summary, the available evidence is currently insufficient to determine the role of this variant in disease. Therefore, it has been classified as a Variant of Uncertain Significance. Algorithms developed to predict the effect of missense changes on protein structure and function are either unavailable or do not agree on the potential impact of this missense change (SIFT: "Deleterious"; PolyPhen-2: "Benign"; Align-GVGD: "Class C0"). This variant has not been reported in the literature in individuals with FH-related conditions. This variant is not present in population databases (ExAC no frequency).